The following is an entry in ClinVar:

ClinVar aggregate classification (germline): Uncertain significance. Review status: criteria provided, multiple submitters, no conflicts (2 of 4 stars). 2 submissions from 2 submitters: Uncertain significance (2). Last evaluated 2023-05-18.

Allele frequency attached by ClinVar (database versions not stated): gnomAD exomes 0.00002 and 0.00007; TOPMed 0.00003; gnomAD 0.00004.
gnomAD v4.1: 108 of 1,613,578 alleles (0.0067%); highest among the groups gnomAD compares: Non-Finnish European, 0.0087%; no homozygotes.

Submissions (2):

Athena Diagnostics
Classification: Uncertain significance. Last evaluated: 2023-05-18. Review status: criteria provided, single submitter. Criteria: Athena Diagnostics Criteria. Collection method: clinical testing. Allele origin: unknown.
Comment: Available data are insufficient to determine the clinical significance of the variant at this time. The frequency of this variant in the general population is uninformative in assessment of its pathogenicity. Computational tools predict that this variant is not damaging.

Ambry Genetics
Classification: Uncertain significance. Last evaluated: 2023-03-29. Review status: criteria provided, single submitter. Criteria: Ambry Variant Classification Scheme 2023. Collection method: clinical testing. Allele origin: germline.

NM_001146262.4(SYT14):c.1709C>T (p.Ala570Val)

Gene: SYT14 (synaptotagmin 14; plus strand). Cytogenetic location: 1q32.2.
Variant type: single nucleotide variant.
Coding change: c.1709C>T on transcript NM_001146262.4 (MANE Select); coding-DNA position 1709, C replaced by T.
Protein change: p.Ala570Val; replaces alanine 570 with valine.
Molecular consequence: missense variant. On other transcripts: non-coding transcript variant (1).
Genome position (GRCh38, 1-based): chr1:210,161,026, C>T. VCF-style: chr1-210161026-C-T. GRCh37 (hg19) VCF-style: chr1-210334371-C-T.
Other names: c.1844C>T, p.Ala615Val (NM_001146261.4); c.1787C>T, p.Ala596Val (NM_001146264.4); c.1538C>T, p.Ala513Val (NM_001256006.3); c.2522C>T, p.Ala841Val (NM_001397544.1, NM_001397545.1); c.1652C>T, p.Ala551Val (NM_153262.5); short protein forms A615V, A513V, A596V, A551V, A570V, A841V.
Identifiers: ClinVar variation 448639 (VCV000448639.5), dbSNP rs970796538, ClinGen allele CA37066204.
Genomic context (GRCh38, chr1:210,161,026, plus strand): 5'-AACTCAATCACTGGACTGAAATGAAAGAGTCAAAAGGACAGCAAGTATGTAGATGGCATG[C>T]GTTGCTAGAGTCATGATGAATAGAATAAGCAAGCAGTTACCATCAAAGGCAGCATATTTC-3'
Protein context (NP_001139734.1, residues 560-574): SKGQQVCRWH[Ala570Val]LLES